The following is an entry in ClinVar:

NM_004304.5(ALK):c.475G>A (p.Gly159Arg)

Gene: ALK (ALK receptor tyrosine kinase; minus strand). Cytogenetic location: 2p23.1.
Variant type: single nucleotide variant.
Coding change: c.475G>A on transcript NM_004304.5 (MANE Select); coding-DNA position 475, G replaced by A.
Protein change: p.Gly159Arg; replaces glycine 159 with arginine.
Molecular consequence: missense variant.
Genome position (GRCh38, 1-based): chr2:29,920,185, C>T on the plus strand (G>A on the coding strand, the complement: ALK is on the minus strand). VCF-style: chr2-29920185-C-T. GRCh37 (hg19) VCF-style: chr2-30143051-C-T.
Other names: short protein forms G159R.
Identifiers: ClinVar variation 951508 (VCV000951508.15), dbSNP rs367875912, ClinGen allele CA1594958.

ClinVar aggregate classification (germline): Uncertain significance. Review status: criteria provided, multiple submitters, no conflicts (2 of 4 stars). 4 submissions from 4 submitters: Uncertain significance (4). Last evaluated 2025-02-04.

Conditions:
Hereditary cancer-predisposing syndrome. Also called: Hereditary neoplastic syndrome; Tumor predisposition; Neoplastic Syndromes, Hereditary; Hereditary Cancer Syndrome. Identifiers: Orphanet 140162, MedGen C0027672, MeSH D009386, MONDO:0015356.
Neuroblastoma, susceptibility to, 3. Also called: ALK-Related Neuroblastic Tumor Susceptibility. Identifiers: Orphanet 635, MedGen C2751681, MONDO:0013083, OMIM 613014.

Allele frequency attached by ClinVar (database versions not stated): TOPMed below 0.00001; gnomAD exomes 0.00001; ExAC 0.00003; ESP Exome Variant Server 0.00008.
gnomAD v4.1: 8 of 1,613,370 alleles (0.0005%); highest among the groups gnomAD compares: Admixed American, 0.0017%; no homozygotes.

Submissions (4):

Ambry Genetics
Classification: Uncertain significance for Hereditary cancer-predisposing syndrome. Last evaluated: 2025-02-04. Review status: criteria provided, single submitter. Criteria: Ambry Variant Classification Scheme 2023. Collection method: clinical testing. Allele origin: germline.
Comment: The p.G159R variant (also known as c.475G>A), located in coding exon 1 of the ALK gene, results from a G to A substitution at nucleotide position 475. The glycine at codon 159 is replaced by arginine, an amino acid with dissimilar properties. This amino acid position is poorly conserved in available vertebrate species. In addition, this alteration is predicted to be tolerated by in silico analysis. Based on the available evidence, the clinical significance of this variant remains unclear.

Labcorp Genetics (formerly Invitae), Labcorp
Classification: Uncertain significance for Neuroblastoma, susceptibility to, 3. Last evaluated: 2024-04-30. Review status: criteria provided, single submitter. Criteria: Invitae Variant Classification Sherloc (09022015). Collection method: clinical testing. Allele origin: germline.
Comment: This sequence change replaces glycine, which is neutral and non-polar, with arginine, which is basic and polar, at codon 159 of the ALK protein (p.Gly159Arg). This variant is present in population databases (rs367875912, gnomAD 0.003%). This variant has not been reported in the literature in individuals affected with ALK-related conditions. ClinVar contains an entry for this variant (Variation ID: 951508). An algorithm developed to predict the effect of missense changes on protein structure and function (PolyPhen-2) suggests that this variant is likely to be tolerated. In summary, the available evidence is currently insufficient to determine the role of this variant in disease. Therefore, it has been classified as a Variant of Uncertain Significance.

Baylor Genetics
Classification: Uncertain significance for Neuroblastoma, susceptibility to, 3. Last evaluated: 2024-03-01. Review status: criteria provided, single submitter. Criteria: ACMG Guidelines, 2015. Collection method: clinical testing. Allele origin: unknown.

GeneDx
Classification: Uncertain significance. Last evaluated: 2023-11-29. Review status: criteria provided, single submitter. Criteria: GeneDx Variant Classification Process June 2021. Collection method: clinical testing. Allele origin: germline. Affected: yes.
Comment: Not observed at significant frequency in large population cohorts (gnomAD); In silico analysis supports that this missense variant does not alter protein structure/function; Has not been previously published as pathogenic or benign to our knowledge